The following is an entry in ClinVar:

ClinVar aggregate classification (germline): Likely pathogenic (1 of 4 stars; one submission).

Conditions:
SCAPER-related disorder. Also called: SCAPER-related condition.

gnomAD v4.1: 7 of 1,612,922 alleles (0.00043%); highest among the groups gnomAD compares: Non-Finnish European, 0.00051%; no homozygotes.

Submission:

PreventionGenetics, part of Exact Sciences
Classification: Likely pathogenic for SCAPER-related condition. Last evaluated: 2025-05-21. Review status: criteria provided, single submitter. Criteria: ACMG Guidelines, 2015. Collection method: clinical testing. Allele origin: germline.
Comment: The SCAPER c.1831C>T variant is predicted to result in premature protein termination (p.Arg611*). To our knowledge, this variant has not been reported in the literature or in a large population database (gnomAD), indicating this variant is rare. Nonsense variants in SCAPER are expected to be pathogenic. This variant is interpreted as likely pathogenic.

NM_020843.4(SCAPER):c.1813C>T (p.Arg605Ter)

Gene: SCAPER (S-phase cyclin A associated protein in the ER; minus strand). Cytogenetic location: 15q24.3.
Variant type: single nucleotide variant.
Coding change: c.1813C>T on transcript NM_020843.4 (MANE Select); coding-DNA position 1813, C replaced by T.
Protein change: p.Arg605Ter; replaces arginine 605 with a stop codon.
Molecular consequence: nonsense. On other transcripts: non-coding transcript variant (1).
Genome position (GRCh38, 1-based): chr15:76,753,861, G>A on the plus strand (C>T on the coding strand, the complement: SCAPER is on the minus strand). VCF-style: chr15-76753861-G-A. GRCh37 (hg19) VCF-style: chr15-77046202-G-A.
Other names: c.1075C>T, p.Arg359Ter (NM_001145923.2); c.1831C>T, p.Arg611Ter (NM_001353009.2); c.1411C>T, p.Arg471Ter (NM_001353010.2, NM_001353012.2); c.1429C>T, p.Arg477Ter (NM_001353011.2); short protein forms R359*, R471*, R477*, R611*, R605*.
Identifiers: ClinVar variation 4988578 (VCV004988578.1).